The following is an entry in ClinVar:

NM_017849.4(TMEM127):c.323T>C (p.Leu108Pro)

Gene: TMEM127 (transmembrane protein 127; minus strand). Cytogenetic location: 2q11.2.
Variant type: single nucleotide variant.
Coding change: c.323T>C on transcript NM_017849.4 (MANE Select); coding-DNA position 323, T replaced by C.
Protein change: p.Leu108Pro; replaces leucine 108 with proline.
Molecular consequence: missense variant.
Genome position (GRCh38, 1-based): chr2:96,254,919, A>G on the plus strand (T>C on the coding strand, the complement: TMEM127 is on the minus strand). VCF-style: chr2-96254919-A-G. GRCh37 (hg19) VCF-style: chr2-96920657-A-G.
Other names: c.323T>C, p.Leu108Pro (NM_001193304.3); short protein forms L108P.
Identifiers: ClinVar variation 480805 (VCV000480805.9), dbSNP rs1553437004, ClinGen allele CA347653446.

ClinVar aggregate classification (germline): Uncertain significance. Review status: criteria provided, multiple submitters, no conflicts (2 of 4 stars). 2 submissions from 2 submitters: Uncertain significance (2). Last evaluated 2024-03-18.

Conditions:
Hereditary cancer-predisposing syndrome. Also called: Neoplastic Syndromes, Hereditary; Hereditary neoplastic syndrome; Tumor predisposition; Hereditary Cancer Syndrome. Identifiers: Orphanet 140162, MedGen C0027672, MeSH D009386, MONDO:0015356.
Hereditary pheochromocytoma and paraganglioma. Also called: Hereditary Paraganglioma-Pheochromocytoma Syndromes; Hereditary paragangliomas and pheochromocytomas; Hereditary pheochromocytoma-paraganglioma. Identifiers: Orphanet 29072, MedGen C4274332, MONDO:0017366.

Allele frequency attached by ClinVar (database versions not stated): TOPMed below 0.00001.

Submissions (2):

Ambry Genetics
Classification: Uncertain significance for Hereditary cancer-predisposing syndrome. Last evaluated: 2024-03-18. Review status: criteria provided, single submitter. Criteria: Ambry Variant Classification Scheme 2023. Collection method: clinical testing. Allele origin: germline.
Comment: The p.L108P variant (also known as c.323T>C), located in coding exon 2 of the TMEM127 gene, results from a T to C substitution at nucleotide position 323. The leucine at codon 108 is replaced by proline, an amino acid with similar properties. This amino acid position is highly conserved in available vertebrate species. In addition, this alteration is predicted to be deleterious by in silico analysis. Since supporting evidence is limited at this time, the clinical significance of this alteration remains unclear.

Labcorp Genetics (formerly Invitae), Labcorp
Classification: Uncertain significance for Hereditary pheochromocytoma and paraganglioma. Last evaluated: 2023-11-06. Review status: criteria provided, single submitter. Criteria: Invitae Variant Classification Sherloc (09022015). Collection method: clinical testing. Allele origin: germline.
Comment: This sequence change replaces leucine, which is neutral and non-polar, with proline, which is neutral and non-polar, at codon 108 of the TMEM127 protein (p.Leu108Pro). This variant is not present in population databases (gnomAD no frequency). This variant has not been reported in the literature in individuals affected with TMEM127-related conditions. ClinVar contains an entry for this variant (Variation ID: 480805). An algorithm developed to predict the effect of missense changes on protein structure and function (PolyPhen-2) suggests that this variant is likely to be disruptive. In summary, the available evidence is currently insufficient to determine the role of this variant in disease. Therefore, it has been classified as a Variant of Uncertain Significance.